The following is an entry in ClinVar:

ClinVar aggregate classification (germline): Uncertain significance (1 of 4 stars; one submission).

Conditions:
Dystonia 12 (DYT12). Also called: DYT-ATP1A3; Rapid-Onset Dystonia-Parkinsonism (RDP). Identifiers: Orphanet 71517, MedGen C1868681, MONDO:0007496, OMIM 128235.

Allele frequency attached by ClinVar (database versions not stated): gnomAD exomes below 0.00001; gnomAD 0.00001 and 0.00003; TOPMed 0.00001.
gnomAD v4.1: 7 of 1,613,614 alleles (0.00043%); highest among the groups gnomAD compares: African/African-American, 0.008%; 1 homozygote.

Submission:

Labcorp Genetics (formerly Invitae), Labcorp
Classification: Uncertain significance for Dystonia 12. Last evaluated: 2023-06-20. Review status: criteria provided, single submitter. Criteria: Invitae Variant Classification Sherloc (09022015). Collection method: clinical testing. Allele origin: germline.
Comment: This sequence change falls in intron 4 of the ATP1A3 gene. It does not directly change the encoded amino acid sequence of the ATP1A3 protein. This variant is present in population databases (no rsID available, gnomAD 0.0009%). This variant has not been reported in the literature in individuals affected with ATP1A3-related conditions. ClinVar contains an entry for this variant (Variation ID: 1019231). Algorithms developed to predict the effect of sequence changes on RNA splicing suggest that this variant may create or strengthen a splice site. In summary, the available evidence is currently insufficient to determine the role of this variant in disease. Therefore, it has been classified as a Variant of Uncertain Significance.

NM_152296.5(ATP1A3):c.358-6C>T

Gene: ATP1A3 (ATPase Na+/K+ transporting subunit alpha 3; minus strand). Cytogenetic location: 19q13.2.
Variant type: single nucleotide variant.
Coding change: c.358-6C>T on transcript NM_152296.5 (MANE Select); 6 bases into the intron before coding-DNA position 358, C replaced by T.
Molecular consequence: intron variant.
Genome position (GRCh38, 1-based): chr19:41,986,235, G>A on the plus strand (C>T on the coding strand, the complement: ATP1A3 is on the minus strand). VCF-style: chr19-41986235-G-A. GRCh37 (hg19) VCF-style: chr19-42490387-G-A.
Other names: c.397-6C>T (NM_001256214.2); c.391-6C>T (NM_001256213.2).
Identifiers: ClinVar variation 1019231 (VCV001019231.8), dbSNP rs1395827738, ClinGen allele CA633471557.